The following is an entry in ClinVar:

NM_001330260.2(SCN8A):c.1202A>G (p.Tyr401Cys)

Gene: SCN8A (sodium voltage-gated channel alpha subunit 8; plus strand). Cytogenetic location: 12q13.13.
Variant type: single nucleotide variant.
Coding change: c.1202A>G on transcript NM_001330260.2 (MANE Select); coding-DNA position 1202, A replaced by G.
Protein change: p.Tyr401Cys; replaces tyrosine 401 with cysteine.
Molecular consequence: missense variant.
Genome position (GRCh38, 1-based): chr12:51,705,484, A>G. VCF-style: chr12-51705484-A-G. GRCh37 (hg19) VCF-style: chr12-52099268-A-G.
Other names: c.1202A>G, p.Tyr401Cys (NM_001177984.3, NM_001369788.1, NM_014191.4); short protein forms Y401C.
Identifiers: ClinVar variation 4840838 (VCV004840838.1).
Genomic context (GRCh38, chr12:51,705,484, plus strand): 5'-GAGCAGCCGGGAAAACATACATGATCTTCTTCGTCTTGGTCATCTTTGTGGGTTCTTTCT[A>G]TCTGGTGAACTTGATCTTGGCTGTGGTGGCCATGGCTTATGAAGAACAGAATCAGGCAAC-3'
Protein context (NP_001317189.1, residues 391-411): FVLVIFVGSF[Tyr401Cys]LVNLILAVVA

ClinVar aggregate classification (germline): Pathogenic (1 of 4 stars; one submission).

Conditions:
Inborn genetic diseases. Identifiers: MedGen C0950123, MeSH D030342.

Submission:

Ambry Genetics
Classification: Pathogenic for Inborn genetic diseases. Last evaluated: 2026-03-10. Review status: criteria provided, single submitter. Criteria: Ambry Variant Classification Scheme 2023. Collection method: clinical testing. Allele origin: germline.
Comment: The c.1202A>G (p.Y401C) alteration is located in exon 10 (coding exon 9) of the SCN8A gene. This alteration results from a A to G substitution at nucleotide position 1202, causing the tyrosine (Y) at amino acid position 401 to be replaced by a cysteine (C). This variant was not reported in population-based cohorts in the Genome Aggregation Database (gnomAD). Another variant at the same codon, c.1201T>C (p.Y401H), has been identified in individual(s) with features consistent with SCN8A-related disorders (Gardella, 2018). This amino acid position is highly conserved in available vertebrate species. This missense variant is located in a region that has a low rate of benign missense variation (Lek, 2016; Firth, 2009). This alteration is predicted to be deleterious by in silico analysis. Based on the available evidence, this alteration is classified as pathogenic.

Literature cited by the submitters: PubMed 30171078.